The following is an entry in ClinVar:

ClinVar aggregate classification (germline): Uncertain significance (1 of 4 stars; one submission).

Allele frequency attached by ClinVar (database versions not stated): TOPMed below 0.00001; gnomAD exomes 0.00002.

Submission:

Labcorp Genetics (formerly Invitae), Labcorp
Classification: Uncertain significance. Last evaluated: 2024-01-15. Review status: criteria provided, single submitter. Criteria: Invitae Variant Classification Sherloc (09022015). Collection method: clinical testing. Allele origin: germline.
Comment: This sequence change replaces serine, which is neutral and polar, with asparagine, which is neutral and polar, at codon 497 of the LOXHD1 protein (p.Ser497Asn). This variant is present in population databases (no rsID available, gnomAD 0.04%). This variant has not been reported in the literature in individuals affected with LOXHD1-related conditions. ClinVar contains an entry for this variant (Variation ID: 2045152). Algorithms developed to predict the effect of missense changes on protein structure and function output the following: SIFT: "Not Available"; PolyPhen-2: "Benign"; Align-GVGD: "Not Available". The asparagine amino acid residue is found in multiple mammalian species, which suggests that this missense change does not adversely affect protein function. In summary, the available evidence is currently insufficient to determine the role of this variant in disease. Therefore, it has been classified as a Variant of Uncertain Significance.

NM_001384474.1(LOXHD1):c.1490G>A (p.Ser497Asn)

Gene: LOXHD1 (lipoxygenase homology PLAT domains 1; minus strand). Cytogenetic location: 18q21.1.
Variant type: single nucleotide variant.
Coding change: c.1490G>A on transcript NM_001384474.1 (MANE Select); coding-DNA position 1490, G replaced by A.
Protein change: p.Ser497Asn; replaces serine 497 with asparagine.
Molecular consequence: missense variant.
Genome position (GRCh38, 1-based): chr18:46,592,526, C>T on the plus strand (G>A on the coding strand, the complement: LOXHD1 is on the minus strand). VCF-style: chr18-46592526-C-T. GRCh37 (hg19) VCF-style: chr18-44172489-C-T.
Other names: c.1490G>A, p.Ser497Asn (NM_144612.7); short protein forms S497N.
Identifiers: ClinVar variation 2045152 (VCV002045152.2), dbSNP rs1464480078, ClinGen allele CA402380418.